The following is an entry in ClinVar:

ClinVar aggregate classification (germline): Uncertain significance. Review status: criteria provided, multiple submitters, no conflicts (2 of 4 stars). 2 submissions from 2 submitters: Uncertain significance (2). Last evaluated 2026-03-21.

Conditions:
Norman-Roberts syndrome (LIS2). Also called: Lissencephaly 2 (Norman-Roberts type). Identifiers: Orphanet 89844, MedGen C0796089, MONDO:0009760, OMIM 257320.
Familial temporal lobe epilepsy 7. Identifiers: Orphanet 101046, MedGen C4225327, MONDO:0014639, OMIM 616436.

Allele frequency attached by ClinVar (database versions not stated): gnomAD 0.00001.
gnomAD v4.1: 1 of 1,612,522 alleles (0.000062%); highest among the groups gnomAD compares: African/African-American, 0.0013%; no homozygotes.

Submissions (2):

GeneDx
Classification: Uncertain significance. Last evaluated: 2026-03-21. Review status: criteria provided, single submitter. Criteria: GeneDx Variant Classification Process June 2021. Collection method: clinical testing. Allele origin: germline.
Comment: Not observed at significant frequency in large population cohorts (gnomAD); In silico analysis suggests that this missense variant does not alter protein structure/function; Has not been previously published as pathogenic or benign to our knowledge

Labcorp Genetics (formerly Invitae), Labcorp
Classification: Uncertain significance for Familial temporal lobe epilepsy 7; Norman-Roberts syndrome. Last evaluated: 2024-01-12. Review status: criteria provided, single submitter. Criteria: Invitae Variant Classification Sherloc (09022015). Collection method: clinical testing. Allele origin: germline.
Comment: This sequence change replaces aspartic acid, which is acidic and polar, with asparagine, which is neutral and polar, at codon 2566 of the RELN protein (p.Asp2566Asn). This variant is not present in population databases (gnomAD no frequency). This variant has not been reported in the literature in individuals affected with RELN-related conditions. Advanced modeling of protein sequence and biophysical properties (such as structural, functional, and spatial information, amino acid conservation, physicochemical variation, residue mobility, and thermodynamic stability) performed at Invitae indicates that this missense variant is not expected to disrupt RELN protein function with a negative predictive value of 80%. In summary, the available evidence is currently insufficient to determine the role of this variant in disease. Therefore, it has been classified as a Variant of Uncertain Significance.

NM_005045.4(RELN):c.7696G>A (p.Asp2566Asn)

Gene: RELN (reelin; minus strand). Cytogenetic location: 7q22.1.
Variant type: single nucleotide variant.
Coding change: c.7696G>A on transcript NM_005045.4 (MANE Select); coding-DNA position 7696, G replaced by A.
Protein change: p.Asp2566Asn; replaces aspartic acid 2566 with asparagine.
Molecular consequence: missense variant.
Genome position (GRCh38, 1-based): chr7:103,519,489, C>T on the plus strand (G>A on the coding strand, the complement: RELN is on the minus strand). VCF-style: chr7-103519489-C-T. GRCh37 (hg19) VCF-style: chr7-103159936-C-T.
Other names: c.7696G>A, p.Asp2566Asn (NM_173054.3); c.7696G>A (NM_005045.3); short protein forms D2566N.
Identifiers: ClinVar variation 2946621 (VCV002946621.4), dbSNP rs1829651213, ClinGen allele CA368765366.